The following is an entry in ClinVar:

NM_003480.4(MFAP5):c.233A>G (p.Lys78Arg)

Gene: MFAP5 (microfibril associated protein 5; minus strand). Cytogenetic location: 12p13.31.
Variant type: single nucleotide variant.
Coding change: c.233A>G on transcript NM_003480.4 (MANE Select); coding-DNA position 233, A replaced by G.
Protein change: p.Lys78Arg; replaces lysine 78 with arginine.
Molecular consequence: missense variant. On other transcripts: non-coding transcript variant (1), intron variant (4).
Genome position (GRCh38, 1-based): chr12:8,651,676, T>C on the plus strand (A>G on the coding strand, the complement: MFAP5 is on the minus strand). VCF-style: chr12-8651676-T-C. GRCh37 (hg19) VCF-style: chr12-8804272-T-C.
Other names: c.182-1087A>G (NM_001297710.2); c.173-1087A>G (NM_001297711.2); c.217+2761A>G (NM_001297712.2); c.218-1087A>G (NM_001297709.2); short protein forms K78R.
Identifiers: ClinVar variation 4844366 (VCV004844366.1).

ClinVar aggregate classification (germline): Uncertain significance (1 of 4 stars; one submission).

Conditions:
Cardiovascular phenotype. Identifiers: MedGen CN230736.

Submission:

Ambry Genetics
Classification: Uncertain significance for Cardiovascular phenotype. Last evaluated: 2026-01-25. Review status: criteria provided, single submitter. Criteria: Ambry Variant Classification Scheme 2023. Collection method: clinical testing. Allele origin: germline.
Comment: The p.K78R variant (also known as c.233A>G), located in coding exon 6 of the MFAP5 gene, results from an A to G substitution at nucleotide position 233. The lysine at codon 78 is replaced by arginine, an amino acid with highly similar properties. This amino acid position is conserved. In addition, this alteration is predicted to be tolerated by in silico analysis. Based on the available evidence, the clinical significance of this variant remains unclear.